The following is an entry in ClinVar:

ClinVar aggregate classification (germline): Pathogenic (1 of 4 stars; one submission).

Conditions:
Joubert syndrome and related disorders. Identifiers: Orphanet 140874, MedGen C5679612, MONDO:0015369.

Submission:

Women's Health and Genetics/Laboratory Corporation of America, LabCorp
Classification: Pathogenic for Joubert syndrome and related disorders. Last evaluated: 2024-08-07. Review status: criteria provided, single submitter. Criteria: LabCorp Variant Classification Summary - May 2015. Collection method: clinical testing. Allele origin: germline.
Comment: Variant summary: The variant involves the deletion of exons 16-19 in the AHI1 gene. A presumed nomenclature of c.(2266+1_2267-1)_(2764+1_2765-1)del has been designated for the purposes of this classification. This Copy Number Variant (CNV) is predicted to result in an in-frame deletion within this gene. The variant was absent in 21120 control chromosomes. To our knowledge, no occurrence of c.(2266+1_2267-1)_(2764+1_2765-1)del in individuals affected with Joubert Syndrome And Related Disorders and no experimental evidence demonstrating its impact on protein function have been reported. At least one missense variant in the overlapping deleted region (p.His896Arg) has been classified as pathogenic (CV ID: 217532), suggesting that loss of this region is deleterious. No submitters have cited clinical-significance assessments for this variant to ClinVar. Based on the evidence outlined above, the variant was classified as pathogenic.

NC_000006.11:g.(135732683_135748304)_(135752453_135754164)del

Gene: AHI1 (Abelson helper integration site 1; minus strand). Cytogenetic location: 6q23.3.
Variant type: Deletion.
Identifiers: ClinVar variation 3366410 (VCV003366410.1).